The following is an entry in ClinVar:

ClinVar aggregate classification (germline): Uncertain significance (1 of 4 stars; one submission).

Submission:

GeneDx
Classification: Uncertain significance. Last evaluated: 2022-07-14. Review status: criteria provided, single submitter. Criteria: GeneDx Variant Classification Process June 2021. Collection method: clinical testing. Allele origin: germline. Affected: yes.
Comment: Not observed at significant frequency in large population cohorts (gnomAD); In silico analysis supports that this missense variant has a deleterious effect on protein structure/function; Has not been previously published as pathogenic or benign to our knowledge

NM_014225.6(PPP2R1A):c.427T>C (p.Ser143Pro)

Gene: PPP2R1A (protein phosphatase 2 scaffold subunit Aalpha; plus strand). Cytogenetic location: 19q13.41.
Variant type: single nucleotide variant.
Coding change: c.427T>C on transcript NM_014225.6 (MANE Select); coding-DNA position 427, T replaced by C.
Protein change: p.Ser143Pro; replaces serine 143 with proline.
Molecular consequence: missense variant. On other transcripts: 5 prime UTR variant (1), non-coding transcript variant (1).
Genome position (GRCh38, 1-based): chr19:52,211,416, T>C. VCF-style: chr19-52211416-T-C. GRCh37 (hg19) VCF-style: chr19-52714669-T-C.
Other names: c.-111T>C (NM_001363656.2); short protein forms S143P.
Identifiers: ClinVar variation 2136088 (VCV002136088.1), dbSNP rs2514088599, ClinGen allele CA407182737.
Genomic context (GRCh38, chr19:52,211,416, plus strand): 5'-GACCTGGAGGCGCACTTTGTGCCGCTAGTGAAGCGGCTGGCGGGCGGCGACTGGTTCACC[T>C]CCCGCACCTCGGCCTGCGGCCTCTTCTCCGTCTGCTACCCCCGAGTGTCCAGTGCTGTGA-3'
Protein context (NP_055040.2, residues 133-153): KRLAGGDWFT[Ser143Pro]RTSACGLFSV